The following is an entry in ClinVar:

NM_006014.5(LAGE3):c.137G>A (p.Gly46Asp)

Genes: LAGE3 (L antigen family member 3; minus strand), LOC130068876 (ATAC-STARR-seq lymphoblastoid silent region 21109; plus strand). Cytogenetic location: Xq28.
Variant type: single nucleotide variant.
Coding change: c.137G>A on transcript NM_006014.5 (MANE Select); coding-DNA position 137, G replaced by A.
Protein change: p.Gly46Asp; replaces glycine 46 with aspartic acid.
Molecular consequence: missense variant.
Genome position (GRCh38, 1-based): chrX:154,478,779, C>T on the plus strand (G>A on the coding strand, the complement: LAGE3 is on the minus strand). VCF-style: chrX-154478779-C-T. GRCh37 (hg19) VCF-style: chrX-153707118-C-T.
Other names: c.137G>A (NM_006014.4); short protein forms G46D.
Identifiers: ClinVar variation 2375075 (VCV002375075.3), dbSNP rs782053419, ClinGen allele CA10565272.

ClinVar aggregate classification (germline): Conflicting classifications of pathogenicity. Review status: criteria provided, conflicting classifications (1 of 4 stars). 2 submissions from 2 submitters: Uncertain significance (1); Likely benign (1). Last evaluated 2025-05-04.

Conditions:
LAGE3-related disorder. Also called: LAGE3-related condition.

Allele frequency attached by ClinVar (database versions not stated): TOPMed 0.00002; ExAC 0.00003; gnomAD 0.00006; gnomAD exomes 0.00010.
gnomAD v4.1: 106 of 1,134,162 alleles (0.0093%); highest among the groups gnomAD compares: Non-Finnish European, 0.011%; no homozygotes.

Submissions (2):

PreventionGenetics, part of Exact Sciences
Classification: Likely benign for LAGE3-related condition. Last evaluated: 2025-05-04. Review status: criteria provided, single submitter. Criteria: ACMG Guidelines, 2015. Collection method: clinical testing. Allele origin: germline.
Comment: This variant is classified as likely benign based on ACMG/AMP sequence variant interpretation guidelines (Richards et al. 2015 PMID: 25741868, with internal and published modifications).

Ambry Genetics
Classification: Uncertain significance. Last evaluated: 2021-09-30. Review status: criteria provided, single submitter. Criteria: Ambry Variant Classification Scheme 2023. Collection method: clinical testing. Allele origin: germline.